The following is an entry in ClinVar:

ClinVar aggregate classification (germline): Uncertain significance (1 of 4 stars; one submission).

Conditions:
Cernunnos-XLF deficiency (IMD124). Also called: SCID, AUTOSOMAL RECESSIVE, T CELL-NEGATIVE, B CELL-NEGATIVE, NK CELL-POSITIVE, WITH MICROCEPHALY, GROWTH RETARDATION, AND SENSITIVITY TO IONIZING RADIATION; NHEJ1 SYNDROME; Severe combined immunodeficiency with sensitivity to ionizing radiation due to NHEJ1 deficiency; SCID, autosomal recessive, T cell-negative, B cell-negative, NK cell-positive, and sensitivity to ionizing radiation due to NHEJ1 deficiency; IMMUNODEFICIENCY 124, SEVERE COMBINED. Identifiers: Orphanet 169079, MedGen C1969799, MONDO:0012650, OMIM 611291.

Allele frequency attached by ClinVar (database versions not stated): gnomAD exomes below 0.00001; TOPMed below 0.00001; ExAC 0.00001; ESP Exome Variant Server 0.00008.

Submission:

Labcorp Genetics (formerly Invitae), Labcorp
Classification: Uncertain significance for Cernunnos-XLF deficiency. Last evaluated: 2022-01-27. Review status: criteria provided, single submitter. Criteria: Invitae Variant Classification Sherloc (09022015). Collection method: clinical testing. Allele origin: germline.
Comment: This variant has not been reported in the literature in individuals affected with NHEJ1-related conditions. In summary, the available evidence is currently insufficient to determine the role of this variant in disease. Therefore, it has been classified as a Variant of Uncertain Significance. Algorithms developed to predict the effect of missense changes on protein structure and function (SIFT, PolyPhen-2, Align-GVGD) all suggest that this variant is likely to be tolerated. This variant is present in population databases (rs372722590, gnomAD 0.007%). This sequence change replaces proline, which is neutral and non-polar, with serine, which is neutral and polar, at codon 183 of the NHEJ1 protein (p.Pro183Ser).

NM_024782.3(NHEJ1):c.547C>T (p.Pro183Ser)

Gene: NHEJ1 (non-homologous end joining factor 1; minus strand). Cytogenetic location: 2q35.
Variant type: single nucleotide variant.
Coding change: c.547C>T on transcript NM_024782.3 (MANE Select); coding-DNA position 547, C replaced by T.
Protein change: p.Pro183Ser; replaces proline 183 with serine.
Molecular consequence: missense variant. On other transcripts: non-coding transcript variant (1).
Genome position (GRCh38, 1-based): chr2:219,146,721, G>A on the plus strand (C>T on the coding strand, the complement: NHEJ1 is on the minus strand). VCF-style: chr2-219146721-G-A. GRCh37 (hg19) VCF-style: chr2-220011443-G-A.
Other names: c.547C>T, p.Pro183Ser (NM_001377498.1, NM_001377499.1); short protein forms P183S.
Identifiers: ClinVar variation 1358235 (VCV001358235.8), dbSNP rs372722590, ClinGen allele CA2116946.
Genomic context (GRCh38, chr2:219,146,721, plus strand): 5'-AAAATGACAAATACCTTACCTCTATCATAAATTGTTCCAAGAAGGAATTTTCTTCAAATG[G>A]TTCTGTCTTCAATCGATCTGTAATAAGAAGGATCAGAAAAAAGAAATATGAGTCATACAG-3'
Protein context (NP_079058.1, residues 173-193): TLIRDRLKTE[Pro183Ser]FEENSFLEQF